The following is an entry in ClinVar:

ClinVar aggregate classification (germline): Uncertain significance (1 of 4 stars; one submission).

Conditions:
Renal cell carcinoma. Identifiers: Orphanet 217071, MedGen C0007134, MeSH D002292, MONDO:0005086, HP:0005584.

Submission:

Labcorp Genetics (formerly Invitae), Labcorp
Classification: Uncertain significance for Renal cell carcinoma. Last evaluated: 2023-06-22. Review status: criteria provided, single submitter. Criteria: Invitae Variant Classification Sherloc (09022015). Collection method: clinical testing. Allele origin: germline.
Comment: This sequence change creates a premature translational stop signal (p.Pro9Thrfs*19) in the MET gene. It is expected to result in an absent or disrupted protein product. However, the current clinical and genetic evidence is not sufficient to establish whether loss-of-function variants in MET cause disease. This variant is not present in population databases (gnomAD no frequency). This variant has not been reported in the literature in individuals affected with MET-related conditions. In summary, the available evidence is currently insufficient to determine the role of this variant in disease. Therefore, it has been classified as a Variant of Uncertain Significance.

NM_000245.4(MET):c.24dup (p.Pro9fs)

Gene: MET (MET proto-oncogene, receptor tyrosine kinase; plus strand). Cytogenetic location: 7q31.2.
Variant type: Duplication.
Coding change: c.24dup on transcript NM_000245.4 (MANE Select); coding-DNA position 24, one base duplicated (A; older notation c.24dupA).
Protein change: p.Pro9fs; shifts the reading frame from proline 9.
Molecular consequence: frameshift variant. On other transcripts: intron variant (1).
Genome position (GRCh38, 1-based): chr7:116,699,108, A duplicated. VCF-style (leftmost placement, unchanged base first): chr7-116699107-C-CA. GRCh37 (hg19) VCF-style: chr7-116339161-C-CA.
Other names: c.24dup, p.Pro9fs (NM_001127500.3, NM_001324401.3); c.-91+26531dup (NM_001324402.2); short protein forms P9fs.
Identifiers: ClinVar variation 2920571 (VCV002920571.3), dbSNP rs2525367197, ClinGen allele CA2739279287.
Genomic context (GRCh38, chr7:116,699,107, plus strand): 5'-CTCGCCTTGAACCTGTTTTGGCAGATAAACCTCTCATAATGAAGGCCCCCGCTGTGCTTG[C>CA]ACCTGGCATCCTCGTGCTCCTGTTTACCTTGGTGCAGAGGAGCAATGGGGAGTGTAAAGA-3'